The following is an entry in ClinVar:

NM_000292.3(PHKA2):c.3659CTT[1] (p.Ser1221del)

Genes: PHKA2 (phosphorylase kinase regulatory subunit alpha 2; minus strand), PHKA2-AS1 (PHKA2 antisense RNA 1; plus strand). Cytogenetic location: Xp22.13.
Variant type: Microsatellite.
Coding change: c.3659CTT[1] on transcript NM_000292.3 (MANE Select); one copy of the 3-base unit CTT starting at c.3659; the reference has two copies in a row; one copy, 3 bases deleted.
Protein change: p.Ser1221del; deletes serine 1221.
Genome position (GRCh38, 1-based): chrX:18,893,529-18,893,531, AAG deleted on the plus strand (CTT on the coding strand, the reverse complement: PHKA2 is on the minus strand); deleting any 3 consecutive bases within chrX:18,893,529-18,893,534 gives the same sequence; the position shown is the placement nearest the transcript's 3' end. VCF-style (leftmost placement, unchanged base first): chrX-18893528-TAAG-T. GRCh37 (hg19) VCF-style: chrX-18911646-TAAG-T.
Other names: short protein forms S1221del.
Identifiers: ClinVar variation 3726071 (VCV003726071.1).
Genomic context (GRCh38, chrX:18,893,528, plus strand): 5'-TGTTTCCAGGTGAGACCCTATTGCATCTGGCAGCCCGAATTGGGCAACAATTCCTGCAAA[TAAG>T]AAGCCACTGCTCTTGTTAGGTAGGTCATCGTCCCATAAGCCCCACTCGGAGCGCTGTCAT-3'

ClinVar aggregate classification (germline): Uncertain significance (1 of 4 stars; one submission).

Conditions:
Glycogen storage disease IXa1. Also called: Glycogen storage disease 8; LIVER GLYCOGENOSIS, X-LINKED, TYPE I; GLYCOGEN STORAGE DISEASE VIII; GSD VIII. Identifiers: Orphanet 264580, MedGen C3694531, MONDO:0010598, OMIM 306000.

Submission:

Labcorp Genetics (formerly Invitae), Labcorp
Classification: Uncertain significance for Glycogen storage disease IXa1. Last evaluated: 2024-02-28. Review status: criteria provided, single submitter. Criteria: Invitae Variant Classification Sherloc (09022015). Collection method: clinical testing. Allele origin: germline.
Comment: This variant, c.3662_3664del, results in the deletion of 1 amino acid(s) of the PHKA2 protein (p.Ser1221del), but otherwise preserves the integrity of the reading frame. This variant is present in population databases (rs763727318, gnomAD 0.008%). This variant has not been reported in the literature in individuals affected with PHKA2-related conditions. Experimental studies and prediction algorithms are not available or were not evaluated, and the functional significance of this variant is currently unknown. In summary, the available evidence is currently insufficient to determine the role of this variant in disease. Therefore, it has been classified as a Variant of Uncertain Significance.